The following is an entry in ClinVar:

NM_147686.4(TRAF3IP2):c.1457C>T (p.Thr486Ile)

Genes: TRAF3IP2 (TRAF3 interacting protein 2; minus strand), TRAF3IP2-AS1 (TRAF3IP2 antisense RNA 1; plus strand). Cytogenetic location: 6q21.
Variant type: single nucleotide variant.
Coding change: c.1457C>T on transcript NM_147686.4 (MANE Select); coding-DNA position 1457, C replaced by T.
Protein change: p.Thr486Ile; replaces threonine 486 with isoleucine.
Molecular consequence: missense variant.
Genome position (GRCh38, 1-based): chr6:111,566,463, G>A on the plus strand (C>T on the coding strand, the complement: TRAF3IP2 is on the minus strand). VCF-style: chr6-111566463-G-A. GRCh37 (hg19) VCF-style: chr6-111887666-G-A.
Other names: c.1454C>T, p.Thr485Ile (NM_001164281.3); c.89C>T, p.Thr30Ile (NM_001164283.3); c.1484C>T, p.Thr495Ile (NM_147200.3); c.1457C>T (NM_147686.2); short protein forms T30I, T485I, T486I, T495I.
Identifiers: ClinVar variation 1396285 (VCV001396285.6), dbSNP rs1419847496, ClinGen allele CA365361237.

ClinVar aggregate classification (germline): Uncertain significance. Review status: criteria provided, multiple submitters, no conflicts (2 of 4 stars). 2 submissions from 2 submitters: Uncertain significance (2). Last evaluated 2025-09-01.

Conditions:
Candidiasis, familial, 8 (CANDF8). Identifiers: Orphanet 1334, MedGen C3714992, MONDO:0014230, OMIM 615527.

Allele frequency attached by ClinVar (database versions not stated): TOPMed below 0.00001; gnomAD 0.00001; gnomAD exomes 0.00001 and 0.00005.
gnomAD v4.1: 77 of 1,613,864 alleles (0.0048%); highest among the groups gnomAD compares: Non-Finnish European, 0.0063%; no homozygotes.

Submissions (2):

Ambry Genetics
Classification: Uncertain significance. Last evaluated: 2025-09-01. Review status: criteria provided, single submitter. Criteria: Ambry Variant Classification Scheme 2023. Collection method: clinical testing. Allele origin: germline.

Labcorp Genetics (formerly Invitae), Labcorp
Classification: Uncertain significance for Candidiasis, familial, 8. Last evaluated: 2022-06-20. Review status: criteria provided, single submitter. Criteria: Invitae Variant Classification Sherloc (09022015). Collection method: clinical testing. Allele origin: germline.
Comment: This sequence change replaces threonine, which is neutral and polar, with isoleucine, which is neutral and non-polar, at codon 486 of the TRAF3IP2 protein (p.Thr486Ile). This variant is present in population databases (no rsID available, gnomAD 0.003%). This variant has not been reported in the literature in individuals affected with TRAF3IP2-related conditions. Algorithms developed to predict the effect of missense changes on protein structure and function are either unavailable or do not agree on the potential impact of this missense change (SIFT: "Tolerated"; PolyPhen-2: "Probably Damaging"; Align-GVGD: "Class C0"). In summary, the available evidence is currently insufficient to determine the role of this variant in disease. Therefore, it has been classified as a Variant of Uncertain Significance.